The following is an entry in ClinVar:

ClinVar aggregate classification (germline): Uncertain significance. Review status: criteria provided, multiple submitters, no conflicts (2 of 4 stars). 4 submissions from 4 submitters: Uncertain significance (3). 1 of the submissions does not count toward it. Last evaluated 2025-08-06.

Conditions:
VPS13B-related disorder. Also called: VPS13B-related condition.
Cohen syndrome (COH1). Also called: PEPPER SYNDROME; Cutis verticis gyrata, retinitis pigmentosa, and sensorineural deafness. Identifiers: Orphanet 193, MedGen C0265223, MONDO:0008999, OMIM 216550.

Allele frequency attached by ClinVar (database versions not stated): gnomAD 0.00001; gnomAD exomes 0.00002 and 0.00003; TOPMed 0.00002; ExAC 0.00003; ESP Exome Variant Server 0.00008.
gnomAD v4.1: 42 of 1,612,952 alleles (0.0026%); highest among the groups gnomAD compares: Non-Finnish European, 0.0036%; no homozygotes.

Submissions (4):

PreventionGenetics, part of Exact Sciences
Classification: Uncertain significance for VPS13B-related condition. Last evaluated: 2025-08-06. Review status: criteria provided, single submitter. Criteria: ACMG Guidelines, 2015. Collection method: clinical testing. Allele origin: germline.
Comment: The VPS13B c.2764C>T variant is predicted to result in the amino acid substitution p.Pro922Ser. To our knowledge, this variant has not been reported in the literature. This variant is reported in 0.0035% of alleles in individuals of European (non-Finnish) descent in gnomAD. At this time, the clinical significance of this variant is uncertain due to the absence of conclusive functional and genetic evidence.

Labcorp Genetics (formerly Invitae), Labcorp
Classification: Uncertain significance for Cohen syndrome. Last evaluated: 2024-12-09. Review status: criteria provided, single submitter. Criteria: Invitae Variant Classification Sherloc (09022015). Collection method: clinical testing. Allele origin: germline.
Comment: This sequence change replaces proline, which is neutral and non-polar, with serine, which is neutral and polar, at codon 922 of the VPS13B protein (p.Pro922Ser). This variant is present in population databases (rs371120818, gnomAD 0.004%). This variant has not been reported in the literature in individuals affected with VPS13B-related conditions. ClinVar contains an entry for this variant (Variation ID: 448875). Invitae Evidence Modeling of protein sequence and biophysical properties (such as structural, functional, and spatial information, amino acid conservation, physicochemical variation, residue mobility, and thermodynamic stability) indicates that this missense variant is expected to disrupt VPS13B protein function with a positive predictive value of 80%. In summary, the available evidence is currently insufficient to determine the role of this variant in disease. Therefore, it has been classified as a Variant of Uncertain Significance.

Athena Diagnostics
Classification: Uncertain significance. Last evaluated: 2017-07-06. Review status: criteria provided, single submitter. Criteria: Athena Diagnostics Criteria. Collection method: clinical testing. Allele origin: germline.

Natera, Inc.
Classification: Uncertain significance for Cohen syndrome. Last evaluated: 2019-11-11. Review status: no assertion criteria provided. Collection method: clinical testing. Allele origin: germline. Not counted in ClinVar's aggregate classification.

NM_152564.5(VPS13B):c.2764C>T (p.Pro922Ser)

Gene: VPS13B (vacuolar protein sorting 13 homolog B; plus strand). Cytogenetic location: 8q22.2.
Variant type: single nucleotide variant.
Coding change: c.2764C>T on transcript NM_152564.5 (MANE Select); coding-DNA position 2764, C replaced by T.
Protein change: p.Pro922Ser; replaces proline 922 with serine.
Molecular consequence: missense variant.
Genome position (GRCh38, 1-based): chr8:99,275,194, C>T. VCF-style: chr8-99275194-C-T. GRCh37 (hg19) VCF-style: chr8-100287422-C-T.
Other names: c.2764C>T (NM_152564.4); c.2764C>T, p.Pro922Ser (NM_017890.5); short protein forms P922S.
Identifiers: ClinVar variation 448875 (VCV000448875.10), dbSNP rs371120818, ClinGen allele CA4823015.
Genomic context (GRCh38, chr8:99,275,194, plus strand): 5'-AAAGACCTTCATAGCACCAAGTGGCTCAATGAGAGTAGAAAGCCAGAGTCTCTCTTAGCT[C>T]CAGATTTGATGGCCTTCACAATCCAAGTTCCACAATATATTGACTACTGCCACAATTCCG-3'
Protein context (NP_689777.3, residues 912-932): ESRKPESLLA[Pro922Ser]DLMAFTIQVP